The following is an entry in ClinVar:

ClinVar aggregate classification (germline): Uncertain significance. Review status: criteria provided, multiple submitters, no conflicts (2 of 4 stars). 2 submissions from 2 submitters: Uncertain significance (2). Last evaluated 2026-08-17.

Conditions:
Inborn genetic diseases. Identifiers: MedGen C0950123, MeSH D030342.

Allele frequency attached by ClinVar (database versions not stated): ExAC 0.00003; TOPMed 0.00004; gnomAD 0.00005; ESP Exome Variant Server 0.00008; gnomAD exomes 0.00008.
gnomAD v4.1: 128 of 1,614,050 alleles (0.0079%); highest among the groups gnomAD compares: Non-Finnish European, 0.0097%; no homozygotes.

Submissions (2):

GeneDx
Classification: Uncertain significance. Last evaluated: 2026-08-17. Review status: criteria provided, single submitter. Criteria: GeneDx Variant Classification Process June 2021. Collection method: clinical testing. Allele origin: germline.
Comment: In silico analysis supports that this missense variant has a deleterious effect on protein structure/function; Has not been previously published as pathogenic or benign to our knowledge

Ambry Genetics
Classification: Uncertain significance for Inborn genetic diseases. Last evaluated: 2025-08-27. Review status: criteria provided, single submitter. Criteria: Ambry Variant Classification Scheme 2023. Collection method: clinical testing. Allele origin: germline.

NM_003504.5(CDC45):c.1118C>T (p.Ala373Val)

Gene: CDC45 (cell division cycle 45; plus strand). Cytogenetic location: 22q11.21.
Variant type: single nucleotide variant.
Coding change: c.1118C>T on transcript NM_003504.5 (MANE Select); coding-DNA position 1118, C replaced by T.
Protein change: p.Ala373Val; replaces alanine 373 with valine.
Molecular consequence: missense variant. On other transcripts: non-coding transcript variant (1).
Genome position (GRCh38, 1-based): chr22:19,508,592, C>T. VCF-style: chr22-19508592-C-T. GRCh37 (hg19) VCF-style: chr22-19496115-C-T.
Other names: c.1214C>T, p.Ala405Val (NM_001178010.2); c.980C>T, p.Ala327Val (NM_001178011.2); c.1082C>T, p.Ala361Val (NM_001369291.1); short protein forms A361V, A327V, A373V, A405V.
Identifiers: ClinVar variation 2535267 (VCV002535267.5), dbSNP rs201658114, ClinGen allele CA10101343.